The following is an entry in ClinVar:

ClinVar aggregate classification (germline): Uncertain significance. Review status: criteria provided, multiple submitters, no conflicts (2 of 4 stars). 2 submissions from 2 submitters: Uncertain significance (2). Last evaluated 2024-11-28.

Conditions:
Neutropenia, severe congenital, 2, autosomal dominant. Identifiers: Orphanet 486, MedGen C2751288, MONDO:0013139, OMIM 613107.

Allele frequency attached by ClinVar (database versions not stated): gnomAD exomes 0.00001.
gnomAD v4.1: 9 of 1,550,434 alleles (0.00058%); highest among the groups gnomAD compares: Non-Finnish European, 0.00078%; no homozygotes.

Submissions (2):

Ambry Genetics
Classification: Uncertain significance. Last evaluated: 2024-11-28. Review status: criteria provided, single submitter. Criteria: Ambry Variant Classification Scheme 2023. Collection method: clinical testing. Allele origin: germline.
Comment: The p.A285V variant (also known as c.854C>T), located in coding exon 4 of the GFI1 gene, results from a C to T substitution at nucleotide position 854. The alanine at codon 285 is replaced by valine, an amino acid with similar properties. This amino acid position is conserved. In addition, this alteration is predicted to be tolerated by in silico analysis. Based on the available evidence, the clinical significance of this variant remains unclear.

Labcorp Genetics (formerly Invitae), Labcorp
Classification: Uncertain significance for Neutropenia, severe congenital, 2, autosomal dominant. Last evaluated: 2018-09-06. Review status: criteria provided, single submitter. Criteria: Invitae Variant Classification Sherloc (09022015). Collection method: clinical testing. Allele origin: germline.
Comment: Algorithms developed to predict the effect of missense changes on protein structure and function (SIFT, PolyPhen-2, Align-GVGD) all suggest that this variant is likely to be tolerated, but these predictions have not been confirmed by published functional studies and their clinical significance is uncertain. This sequence change replaces alanine with valine at codon 285 of the GFI1 protein (p.Ala285Val). The alanine residue is moderately conserved and there is a small physicochemical difference between alanine and valine. This variant is not present in population databases (ExAC no frequency). This variant has not been reported in the literature in individuals with GFI1-related disease. In summary, the available evidence is currently insufficient to determine the role of this variant in disease. Therefore, it has been classified as a Variant of Uncertain Significance.

NM_005263.5(GFI1):c.854C>T (p.Ala285Val)

Gene: GFI1 (growth factor independent 1 transcriptional repressor; minus strand). Cytogenetic location: 1p22.1.
Variant type: single nucleotide variant.
Coding change: c.854C>T on transcript NM_005263.5 (MANE Select); coding-DNA position 854, C replaced by T.
Protein change: p.Ala285Val; replaces alanine 285 with valine.
Molecular consequence: missense variant.
Genome position (GRCh38, 1-based): chr1:92,480,418, G>A on the plus strand (C>T on the coding strand, the complement: GFI1 is on the minus strand). VCF-style: chr1-92480418-G-A. GRCh37 (hg19) VCF-style: chr1-92945975-G-A.
Other names: c.854C>T, p.Ala285Val (NM_001127215.3, NM_001127216.3); short protein forms A285V.
Identifiers: ClinVar variation 644949 (VCV000644949.9), dbSNP rs767464450, ClinGen allele CA27090327.